The following is an entry in ClinVar:

NM_012463.4(ATP6V0A2):c.-14C>T

Genes: ATP6V0A2 (ATPase H+ transporting V0 subunit a2; plus strand), LOC130009117 (ATAC-STARR-seq lymphoblastoid silent region 5049; plus strand). Cytogenetic location: 12q24.31.
Variant type: single nucleotide variant.
Coding change: c.-14C>T on transcript NM_012463.4 (MANE Select); 14 bases upstream of the start codon, C replaced by T.
Molecular consequence: 5 prime UTR variant.
Genome position (GRCh38, 1-based): chr12:123,712,552, C>T. VCF-style: chr12-123712552-C-T. GRCh37 (hg19) VCF-style: chr12-124197099-C-T.
Identifiers: ClinVar variation 95515 (VCV000095515.20), dbSNP rs1139320, ClinGen allele CA148585.

ClinVar aggregate classification (germline): Benign/Likely benign. Review status: criteria provided, multiple submitters, no conflicts (2 of 4 stars). 10 submissions from 10 submitters: Benign (5); Likely benign (2). 3 of the submissions do not count toward it. Last evaluated 2024-11-27.

Conditions:
Cutis laxa with osteodystrophy (ARCL2A). Also called: CUTIS LAXA, AUTOSOMAL RECESSIVE, TYPE IIA; CUTIS LAXA WITH BONE DYSTROPHY; CUTIS LAXA WITH GROWTH AND DEVELOPMENTAL DELAY; CUTIS LAXA WITH JOINT LAXITY AND RETARDED DEVELOPMENT; Autosomal recessive cutis laxa type 2A; Debré-Type Cutis Laxa. Identifiers: Orphanet 357058, MedGen C0268355, MONDO:0018163, OMIM 219200. Disease mechanism: loss of function.

Allele frequency attached by ClinVar (database versions not stated): 1000 Genomes Project 0.27216; 1000 Genomes Project 30x 0.27733; gnomAD 0.35815 and 0.36505; TOPMed 0.35841; ESP Exome Variant Server 0.38260; ExAC 0.48250.
gnomAD v4.1: 579,557 of 1,562,770 alleles (37%); highest among the groups gnomAD compares: African/African-American, 41%; 111,534 homozygotes.

Submissions (10):

Blueprint Genetics
Classification: Benign. Last evaluated: 2024-11-27. Review status: criteria provided, single submitter. Criteria: ACMG Guidelines, 2015. Collection method: clinical testing. Allele origin: germline.

Illumina Laboratory Services, Illumina
Classification: Benign for Cutis laxa with osteodystrophy. Last evaluated: 2018-01-13. Review status: criteria provided, single submitter. Criteria: ICSL Variant Classification Criteria 13 December 2019. Collection method: clinical testing. Allele origin: germline.
Comment: This variant was observed in the ICSL laboratory as part of a predisposition screen in an ostensibly healthy population. It had not been previously curated by ICSL or reported in the Human Gene Mutation Database (HGMD: prior to June 1st, 2018), and was therefore a candidate for classification through an automated scoring system. Utilizing variant allele frequency, disease prevalence and penetrance estimates, and inheritance mode, an automated score was calculated to assess if this variant is too frequent to cause the disease. Based on the score and internal cut-off values, a variant classified as benign is not then subjected to further curation. The score for this variant resulted in a classification of benign for this disease.

Mayo Clinic Laboratories, Mayo Clinic
Classification: Benign. Last evaluated: 2017-12-21. Review status: criteria provided, single submitter. Criteria: ACMG Guidelines, 2015. Collection method: clinical testing. Allele origin: germline. Observed: 25 variant alleles.

GeneDx
Classification: Benign. Last evaluated: 2016-01-08. Review status: criteria provided, single submitter. Criteria: GeneDx Variant Classification (06012015). Collection method: clinical testing. Allele origin: germline. Affected: yes.
Comment: This variant is considered likely benign or benign based on one or more of the following criteria: it is a conservative change, it occurs at a poorly conserved position in the protein, it is predicted to be benign by multiple in silico algorithms, and/or has population frequency not consistent with disease.

Eurofins Ntd Llc (ga)
Classification: Benign. Last evaluated: 2012-07-25. Review status: criteria provided, single submitter. Criteria: EGL Classification Definitions 2015. Collection method: clinical testing. Allele origin: germline. Observed: 40 variant alleles, 28 heterozygotes, 12 homozygotes.

Breakthrough Genomics
Classification: Likely benign. Review status: criteria provided, single submitter. Criteria: ACMG Guidelines, 2015. Collection method: not provided. Allele origin: germline. Inheritance: Autosomal recessive inheritance. Affected: yes.

PreventionGenetics, part of Exact Sciences
Classification: Likely benign. Review status: criteria provided, single submitter. Criteria: ACMG Guidelines, 2015. Collection method: clinical testing. Allele origin: germline.

Clinical Genetics DNA and cytogenetics Diagnostics Lab, Erasmus MC, Erasmus Medical Center
Classification: Benign. Review status: no assertion criteria provided. Collection method: clinical testing. Allele origin: germline. Affected: yes. Study: VKGL Data-share Consensus. Not counted in ClinVar's aggregate classification.

Diagnostic Laboratory, Department of Genetics, University Medical Center Groningen
Classification: Benign. Review status: no assertion criteria provided. Collection method: clinical testing. Allele origin: germline. Affected: yes. Study: VKGL Data-share Consensus. Not counted in ClinVar's aggregate classification.

Joint Genome Diagnostic Labs from Nijmegen and Maastricht, Radboudumc and MUMC+
Classification: Benign. Review status: no assertion criteria provided. Collection method: clinical testing. Allele origin: germline. Affected: yes. Study: VKGL Data-share Consensus. Not counted in ClinVar's aggregate classification.